The following is an entry in ClinVar:

ClinVar aggregate classification (germline): Conflicting classifications of pathogenicity. Review status: criteria provided, conflicting classifications (1 of 4 stars). 9 submissions from 9 submitters: Uncertain significance (7); Likely benign (1). 1 of the submissions does not count toward it. Last evaluated 2026-01-16.

Conditions:
Breast and/or ovarian cancer. Identifiers: MedGen CN221562.
Hereditary cancer-predisposing syndrome. Also called: Tumor predisposition; Neoplastic Syndromes, Hereditary; Hereditary neoplastic syndrome; Hereditary Cancer Syndrome. Identifiers: Orphanet 140162, MedGen C0027672, MeSH D009386, MONDO:0015356.
Familial cancer of breast. Also called: BREAST CANCER, FAMILIAL; hereditary breast carcinoma; Hereditary breast cancer. Identifiers: Orphanet 227535, MedGen C0346153, MONDO:0016419, OMIM 114480. Disease mechanism: loss of function.
Ataxia-telangiectasia syndrome (AT). Also called: LOUIS-BAR SYNDROME; Ataxia-telangiectasia, complementation group D; AT, COMPLEMENTATION GROUP C; ATAXIA-TELANGIECTASIA, COMPLEMENTATION GROUP A; ATAXIA-TELANGIECTASIA, FRESNO VARIANT; Ataxia-telangiectasia. Identifiers: Orphanet 100, MedGen C0004135, MONDO:0008840, OMIM 208900.

Allele frequency attached by ClinVar (database versions not stated): gnomAD exomes below 0.00001 and 0.00001; ExAC 0.00001; gnomAD 0.00001; TOPMed 0.00001.
gnomAD v4.1: 17 of 1,613,410 alleles (0.0011%); highest among the groups gnomAD compares: Non-Finnish European, 0.0013%; no homozygotes.

Submissions (9):

Labcorp Genetics (formerly Invitae), Labcorp
Classification: Likely benign for Ataxia-telangiectasia syndrome. Last evaluated: 2026-01-16. Review status: criteria provided, single submitter. Criteria: Invitae Variant Classification Sherloc (09022015). Collection method: clinical testing. Allele origin: germline.

Ambry Genetics
Classification: Uncertain significance for Hereditary cancer-predisposing syndrome. Last evaluated: 2025-05-09. Review status: criteria provided, single submitter. Criteria: Ambry Variant Classification Scheme 2023. Collection method: clinical testing. Allele origin: germline.
Comment: The p.I1806T variant (also known as c.5417T>C), located in coding exon 35 of the ATM gene, results from a T to C substitution at nucleotide position 5417. The isoleucine at codon 1806 is replaced by threonine, an amino acid with similar properties. This variant was reported in 1/5560 prostate cancer cases and in 0/3353 controls of European ancestry (Karlsson Q et al. Eur Urol Oncol, 2021 Aug;4:570-579). This amino acid position is well conserved in available vertebrate species. In addition, the in silico prediction for this alteration is inconclusive. Since supporting evidence is limited at this time, the clinical significance of this alteration remains unclear.

Center for Genomic Medicine, Rigshospitalet, Copenhagen University Hospital
Classification: Uncertain significance. Last evaluated: 2025-03-04. Review status: criteria provided, single submitter. Criteria: ACMG Guidelines, 2015. Collection method: clinical testing. Allele origin: germline.

Color Diagnostics, LLC DBA Color Health
Classification: Uncertain significance for Hereditary cancer-predisposing syndrome. Last evaluated: 2024-05-08. Review status: criteria provided, single submitter. Criteria: ACMG Guidelines, 2015. Collection method: clinical testing. Allele origin: germline.
Comment: This missense variant replaces isoleucine with threonine at codon 1806 of the ATM protein. Computational prediction is inconclusive regarding the impact of this variant on protein structure and function. To our knowledge, functional studies have not been reported for this variant. This variant has been reported in several individuals affected with hereditary breast cancer (PMID: 33471991; Mentoor 2017, dissertation, University of Pretoria). This variant has been identified in 2/282554 chromosomes in the general population by the Genome Aggregation Database (gnomAD). The available evidence is insufficient to determine the role of this variant in disease conclusively. Therefore, this variant is classified as a Variant of Uncertain Significance.

Baylor Genetics
Classification: Uncertain significance for Familial cancer of breast. Last evaluated: 2023-10-09. Review status: criteria provided, single submitter. Criteria: ACMG Guidelines, 2015. Collection method: clinical testing. Allele origin: unknown.

CHEO Genetics Diagnostic Laboratory, Children's Hospital of Eastern Ontario
Classification: Uncertain significance for Breast and/or ovarian cancer. Last evaluated: 2023-05-24. Review status: criteria provided, single submitter. Criteria: ACMG Guidelines, 2015. Collection method: clinical testing. Allele origin: germline.

GeneDx
Classification: Uncertain significance. Last evaluated: 2023-01-12. Review status: criteria provided, single submitter. Criteria: GeneDx Variant Classification Process June 2021. Collection method: clinical testing. Allele origin: germline. Affected: yes.
Comment: Not observed at significant frequency in large population cohorts (gnomAD); In silico analysis supports that this missense variant has a deleterious effect on protein structure/function; Observed in an individual with prostate cancer (Karlsson et al., 2021); This variant is associated with the following publications: (PMID: 33436325)

Blueprint Genetics
Classification: Uncertain significance. Last evaluated: 2022-01-12. Review status: criteria provided, single submitter. Criteria: ACMG Guidelines, 2015. Collection method: clinical testing. Allele origin: germline.

Natera, Inc.
Classification: Uncertain significance for Ataxia-telangiectasia. Last evaluated: 2020-09-25. Review status: no assertion criteria provided. Collection method: clinical testing. Allele origin: germline. Not counted in ClinVar's aggregate classification.

Literature cited by the submitters: PubMed 33436325 (cited by Ambry Genetics); PubMed 33471991 (cited by Color Diagnostics, LLC DBA Color Health).

NM_000051.4(ATM):c.5417T>C (p.Ile1806Thr)

Gene: ATM (ATM serine/threonine kinase; plus strand). Cytogenetic location: 11q22.3.
Variant type: single nucleotide variant.
Coding change: c.5417T>C on transcript NM_000051.4 (MANE Select); coding-DNA position 5417, T replaced by C.
Protein change: p.Ile1806Thr; replaces isoleucine 1806 with threonine.
Molecular consequence: missense variant.
Genome position (GRCh38, 1-based): chr11:108,302,950, T>C. VCF-style: chr11-108302950-T-C. GRCh37 (hg19) VCF-style: chr11-108173677-T-C.
Other names: c.5417T>C, p.Ile1806Thr (NM_001351834.2); short protein forms I1806T.
Identifiers: ClinVar variation 186433 (VCV000186433.37), dbSNP rs773546064, ClinGen allele CA194797.